The following is an entry in ClinVar:

ClinVar aggregate classification (germline): Uncertain significance (1 of 4 stars; one submission).

Conditions:
Amyloidosis, hereditary systemic 1 (AMYLD1). Also called: Familial amyloid polyneuropathy; Transthyretin Amyloidosis; Hereditary oculoleptomeningeal amyloid angiopathy; Familial Transthyretin Amyloidosis; Hereditary Transthyretin Amyloidosis; Isolated Cardiac Amyloidosis. Identifiers: Orphanet 85447, Orphanet 85451, MedGen C2751492, MONDO:0971004, OMIM 105210.

Submission:

Labcorp Genetics (formerly Invitae), Labcorp
Classification: Uncertain significance for Amyloidosis, hereditary systemic 1. Last evaluated: 2023-12-15. Review status: criteria provided, single submitter. Criteria: Invitae Variant Classification Sherloc (09022015). Collection method: clinical testing. Allele origin: germline.
Comment: This sequence change falls in intron 3 of the TTR gene. It does not directly change the encoded amino acid sequence of the TTR protein. It affects a nucleotide within the consensus splice site. This variant is not present in population databases (gnomAD no frequency). This variant has not been reported in the literature in individuals affected with TTR-related conditions. Variants that disrupt the consensus splice site are a relatively common cause of aberrant splicing (PMID: 17576681, 9536098). Algorithms developed to predict the effect of sequence changes on RNA splicing suggest that this variant may disrupt the consensus splice site. In summary, the available evidence is currently insufficient to determine the role of this variant in disease. Therefore, it has been classified as a Variant of Uncertain Significance.

Literature cited by the submitters: PubMed 17576681; PubMed 9536098.

NM_000371.4(TTR):c.337-3T>G

Gene: TTR (transthyretin; plus strand). Cytogenetic location: 18q12.1.
Variant type: single nucleotide variant.
Coding change: c.337-3T>G on transcript NM_000371.4 (MANE Select); 3 bases into the intron before coding-DNA position 337, T replaced by G.
Molecular consequence: intron variant.
Genome position (GRCh38, 1-based): chr18:31,598,565, T>G. VCF-style: chr18-31598565-T-G. GRCh37 (hg19) VCF-style: chr18-29178528-T-G.
Identifiers: ClinVar variation 2828648 (VCV002828648.3), dbSNP rs774027595, ClinGen allele CA2739265773.
Genomic context (GRCh38, chr18:31,598,565, plus strand): 5'-GTGTGTCATCTGTCACGTTTTTCGGGCTCTGGTGGAAATGGATCTGTCTGTCTTCTCTCA[T>G]AGGTGGTATTCACAGCCAACGACTCCGGCCCCCGCCGCTACACCATTGCCGCCCTGCTGA-3'